The following is an entry in ClinVar:

ClinVar aggregate classification (germline): Uncertain significance (1 of 4 stars; one submission).

Conditions:
Nemaline myopathy 2 (NEM2). Also called: Nemaline myopathy 2, autosomal recessive. Identifiers: MedGen C1850569, MONDO:0009725, OMIM 256030.

Submission:

Labcorp Genetics (formerly Invitae), Labcorp
Classification: Uncertain significance for Nemaline myopathy 2. Last evaluated: 2022-01-31. Review status: criteria provided, single submitter. Criteria: Invitae Variant Classification Sherloc (09022015). Collection method: clinical testing. Allele origin: germline.
Comment: This sequence change replaces aspartic acid, which is acidic and polar, with glycine, which is neutral and non-polar, at codon 6941 of the NEB protein (p.Asp6941Gly). This variant is not present in population databases (gnomAD no frequency). This variant has not been reported in the literature in individuals affected with NEB-related conditions. Algorithms developed to predict the effect of missense changes on protein structure and function are either unavailable or do not agree on the potential impact of this missense change (SIFT: "Deleterious"; PolyPhen-2: "Not Available"; Align-GVGD: "Class C0"). In summary, the available evidence is currently insufficient to determine the role of this variant in disease. Therefore, it has been classified as a Variant of Uncertain Significance.

NM_001164508.2(NEB):c.20822A>G (p.Asp6941Gly)

Gene: NEB (nebulin; minus strand). Cytogenetic location: 2q23.3.
Variant type: single nucleotide variant.
Coding change: c.20822A>G on transcript NM_001164508.2 (MANE Select); coding-DNA position 20822, A replaced by G.
Protein change: p.Asp6941Gly; replaces aspartic acid 6941 with glycine.
Molecular consequence: missense variant.
Genome position (GRCh38, 1-based): chr2:151,540,414, T>C on the plus strand (A>G on the coding strand, the complement: NEB is on the minus strand). VCF-style: chr2-151540414-T-C. GRCh37 (hg19) VCF-style: chr2-152396928-T-C.
Other names: c.20822A>G, p.Asp6941Gly (NM_001164507.2, NM_001271208.2); c.15719A>G, p.Asp5240Gly (NM_004543.5); short protein forms D5240G, D6941G.
Identifiers: ClinVar variation 1908580 (VCV001908580.2), dbSNP rs2552154969, ClinGen allele CA348777186.